The following is an entry in ClinVar:

NM_000350.3(ABCA4):c.6147+8A>G

Gene: ABCA4 (ATP binding cassette subfamily A member 4; minus strand). Cytogenetic location: 1p22.1.
Variant type: single nucleotide variant.
Coding change: c.6147+8A>G on transcript NM_000350.3 (MANE Select); 8 bases into the intron after coding-DNA position 6147, A replaced by G.
Molecular consequence: intron variant.
Genome position (GRCh38, 1-based): chr1:94,005,433, T>C on the plus strand (A>G on the coding strand, the complement: ABCA4 is on the minus strand). VCF-style: chr1-94005433-T-C. GRCh37 (hg19) VCF-style: chr1-94470989-T-C.
Other names: c.6147+8A>G (NM_000350.2).
Identifiers: ClinVar variation 1616630 (VCV001616630.9), dbSNP rs537690017, ClinGen allele CA957019.

ClinVar aggregate classification (germline): Likely benign. Review status: criteria provided, multiple submitters, no conflicts (2 of 4 stars). 2 submissions from 2 submitters: Likely benign (2). Last evaluated 2025-10-19.

Conditions:
ABCA4-related disorder. Also called: ABCA4-related disorders; ABCA4-related condition. Identifiers: MedGen CN239167.

Allele frequency attached by ClinVar (database versions not stated): gnomAD 0.00001; gnomAD exomes 0.00002 and 0.00003; ExAC 0.00005; 1000 Genomes Project 0.00020; 1000 Genomes Project 30x 0.00031.
gnomAD v4.1: 35 of 1,614,052 alleles (0.0022%); highest among the groups gnomAD compares: South Asian, 0.037%; no homozygotes.

Submissions (2):

PreventionGenetics, part of Exact Sciences
Classification: Likely benign for ABCA4-related condition. Last evaluated: 2025-10-19. Review status: criteria provided, single submitter. Criteria: ACMG Guidelines, 2015. Collection method: clinical testing. Allele origin: germline.
Comment: This variant is classified as likely benign based on ACMG/AMP sequence variant interpretation guidelines (Richards et al. 2015 PMID: 25741868, with internal and published modifications).

Labcorp Genetics (formerly Invitae), Labcorp
Classification: Likely benign. Last evaluated: 2023-09-21. Review status: criteria provided, single submitter. Criteria: Invitae Variant Classification Sherloc (09022015). Collection method: clinical testing. Allele origin: germline.